The following is an entry in ClinVar:

ClinVar aggregate classification (germline): Uncertain significance. Review status: criteria provided, multiple submitters, no conflicts (2 of 4 stars). 4 submissions from 4 submitters: Uncertain significance (4). Last evaluated 2025-07-09.

Conditions:
Hereditary cancer-predisposing syndrome. Also called: Hereditary neoplastic syndrome; Neoplastic Syndromes, Hereditary; Tumor predisposition; Hereditary Cancer Syndrome. Identifiers: Orphanet 140162, MedGen C0027672, MeSH D009386, MONDO:0015356.
Fanconi anemia complementation group J. Also called: BRIP1-Related Fanconi Anemia. Identifiers: Orphanet 84, MedGen C1836860, MONDO:0012187, OMIM 609054.
Familial cancer of breast. Also called: BREAST CANCER, FAMILIAL; hereditary breast carcinoma; Hereditary breast cancer. Identifiers: Orphanet 227535, MedGen C0346153, MONDO:0016419, OMIM 114480. Disease mechanism: loss of function.

Submissions (4):

Ambry Genetics
Classification: Uncertain significance for Hereditary cancer-predisposing syndrome. Last evaluated: 2025-07-09. Review status: criteria provided, single submitter. Criteria: Ambry Variant Classification Scheme 2023. Collection method: clinical testing. Allele origin: germline.
Comment: The p.A877V variant (also known as c.2630C>T), located in coding exon 18 of the BRIP1 gene, results from a C to T substitution at nucleotide position 2630. The alanine at codon 877 is replaced by valine, an amino acid with similar properties. This amino acid position is highly conserved in available vertebrate species. In addition, the in silico prediction for this alteration is inconclusive. Since supporting evidence is limited at this time, the clinical significance of this alteration remains unclear.

Labcorp Genetics (formerly Invitae), Labcorp
Classification: Uncertain significance for Familial cancer of breast; Fanconi anemia complementation group J. Last evaluated: 2024-06-09. Review status: criteria provided, single submitter. Criteria: Invitae Variant Classification Sherloc (09022015). Collection method: clinical testing. Allele origin: germline.
Comment: This sequence change replaces alanine, which is neutral and non-polar, with valine, which is neutral and non-polar, at codon 877 of the BRIP1 protein (p.Ala877Val). This variant is not present in population databases (gnomAD no frequency). This variant has not been reported in the literature in individuals affected with BRIP1-related conditions. ClinVar contains an entry for this variant (Variation ID: 461121). Advanced modeling of protein sequence and biophysical properties (such as structural, functional, and spatial information, amino acid conservation, physicochemical variation, residue mobility, and thermodynamic stability) performed at Invitae indicates that this missense variant is not expected to disrupt BRIP1 protein function with a negative predictive value of 80%. In summary, the available evidence is currently insufficient to determine the role of this variant in disease. Therefore, it has been classified as a Variant of Uncertain Significance.

Color Diagnostics, LLC DBA Color Health
Classification: Uncertain significance for Hereditary cancer-predisposing syndrome. Last evaluated: 2023-12-04. Review status: criteria provided, single submitter. Criteria: ACMG Guidelines, 2015. Collection method: clinical testing. Allele origin: germline.
Comment: This missense variant replaces alanine with valine at codon 877 of the BRIP1 protein. Computational prediction suggests that this variant may not impact protein structure and function (internally defined REVEL score threshold <= 0.5, PMID: 27666373). To our knowledge, functional studies have not been reported for this variant. This variant has not been reported in individuals affected with BRIP1-related disorders in the literature. This variant has not been identified in the general population by the Genome Aggregation Database (gnomAD). The available evidence is insufficient to determine the role of this variant in disease conclusively. Therefore, this variant is classified as a Variant of Uncertain Significance.

GeneDx
Classification: Uncertain significance. Last evaluated: 2022-08-03. Review status: criteria provided, single submitter. Criteria: GeneDx Variant Classification Process June 2021. Collection method: clinical testing. Allele origin: germline. Affected: yes.
Comment: Not observed at significant frequency in large population cohorts (gnomAD); In silico analysis supports that this missense variant does not alter protein structure/function; Has not been previously published as pathogenic or benign to our knowledge

NM_032043.3(BRIP1):c.2630C>T (p.Ala877Val)

Gene: BRIP1 (BRCA1 interacting DNA helicase 1; minus strand). Cytogenetic location: 17q23.2.
Variant type: single nucleotide variant.
Coding change: c.2630C>T on transcript NM_032043.3 (MANE Select); coding-DNA position 2630, C replaced by T.
Protein change: p.Ala877Val; replaces alanine 877 with valine.
Molecular consequence: missense variant.
Genome position (GRCh38, 1-based): chr17:61,686,111, G>A on the plus strand (C>T on the coding strand, the complement: BRIP1 is on the minus strand). VCF-style: chr17-61686111-G-A. GRCh37 (hg19) VCF-style: chr17-59763472-G-A.
Other names: short protein forms A877V.
Identifiers: ClinVar variation 461121 (VCV000461121.19), dbSNP rs1555573465, ClinGen allele CA400481904.